The following is an entry in ClinVar:

ClinVar aggregate classification (germline): Uncertain significance (1 of 4 stars; one submission).

Conditions:
Cardiovascular phenotype. Identifiers: MedGen CN230736.

Submission:

Ambry Genetics
Classification: Uncertain significance for Cardiovascular phenotype. Last evaluated: 2021-09-07. Review status: criteria provided, single submitter. Criteria: Ambry Variant Classification Scheme 2023. Collection method: clinical testing. Allele origin: germline.
Comment: The p.V134F variant (also known as c.400G>T), located in coding exon 3 of the RAF1 gene, results from a G to T substitution at nucleotide position 400. The valine at codon 134 is replaced by phenylalanine, an amino acid with highly similar properties. This amino acid position is highly conserved in available vertebrate species. In addition, the in silico prediction for this alteration is inconclusive. Since supporting evidence is limited at this time, the clinical significance of this alteration remains unclear.

NM_002880.4(RAF1):c.400G>T (p.Val134Phe)

Gene: RAF1 (Raf-1 proto-oncogene, serine/threonine kinase; minus strand). Cytogenetic location: 3p25.2.
Variant type: single nucleotide variant.
Coding change: c.400G>T on transcript NM_002880.4 (MANE Select); coding-DNA position 400, G replaced by T.
Protein change: p.Val134Phe; replaces valine 134 with phenylalanine.
Molecular consequence: missense variant. On other transcripts: non-coding transcript variant (3).
Genome position (GRCh38, 1-based): chr3:12,609,256, C>A on the plus strand (G>T on the coding strand, the complement: RAF1 is on the minus strand). VCF-style: chr3-12609256-C-A. GRCh37 (hg19) VCF-style: chr3-12650755-C-A.
Other names: c.400G>T, p.Val134Phe (NM_001354689.3, NM_001354690.3, NM_001354693.3); c.157G>T, p.Val53Phe (NM_001354691.3, NM_001354692.3, NM_001354694.3 and 1 more transcripts); short protein forms V53F, V134F.
Identifiers: ClinVar variation 1737012 (VCV001737012.2), dbSNP rs2125420010, ClinGen allele CA351518236.